The following is an entry in ClinVar:

NM_015311.3(OBSL1):c.655C>T (p.Gln219Ter)

Gene: OBSL1 (obscurin like cytoskeletal adaptor 1; minus strand). Cytogenetic location: 2q35.
Variant type: single nucleotide variant.
Coding change: c.655C>T on transcript NM_015311.3 (MANE Select); coding-DNA position 655, C replaced by T.
Protein change: p.Gln219Ter; replaces glutamine 219 with a stop codon.
Molecular consequence: nonsense.
Genome position (GRCh38, 1-based): chr2:219,570,578, G>A on the plus strand (C>T on the coding strand, the complement: OBSL1 is on the minus strand). VCF-style: chr2-219570578-G-A. GRCh37 (hg19) VCF-style: chr2-220435300-G-A.
Other names: c.655C>T, p.Gln219Ter (NM_001173408.2, NM_001173431.2); short protein forms Q219*.
Identifiers: ClinVar variation 3725147 (VCV003725147.2).
Genomic context (GRCh38, chr2:219,570,578, plus strand): 5'-CGTCGGGGTCCGCGGGCGGGCTCTCGGGGGGCTGGTGCACCTGGAGCAGCGCCCCCGCCT[G>A]CGCGTGGCCGTGCGCGTTGCGGGCGTGGCACACGTAGACGCCGGAATCCGGCAGCCGAGC-3'

ClinVar aggregate classification (germline): Pathogenic (1 of 4 stars; one submission).

Submission:

Labcorp Genetics (formerly Invitae), Labcorp
Classification: Pathogenic. Last evaluated: 2024-11-13. Review status: criteria provided, single submitter. Criteria: Invitae Variant Classification Sherloc (09022015). Collection method: clinical testing. Allele origin: germline.
Comment: This sequence change creates a premature translational stop signal (p.Gln219*) in the OBSL1 gene. It is expected to result in an absent or disrupted protein product. Loss-of-function variants in OBSL1 are known to be pathogenic (PMID: 19481195, 19877176). This variant is not present in population databases (gnomAD no frequency). This variant has not been reported in the literature in individuals affected with OBSL1-related conditions. For these reasons, this variant has been classified as Pathogenic.

Literature cited by the submitters: PubMed 19481195; PubMed 19877176.